The following is an entry in ClinVar:

NM_015909.4(NBAS):c.511C>T (p.Pro171Ser)

Gene: NBAS (NBAS subunit of NRZ tethering complex; minus strand). Cytogenetic location: 2p24.3.
Variant type: single nucleotide variant.
Coding change: c.511C>T on transcript NM_015909.4 (MANE Select); coding-DNA position 511, C replaced by T.
Protein change: p.Pro171Ser; replaces proline 171 with serine.
Molecular consequence: missense variant. On other transcripts: non-coding transcript variant (1).
Genome position (GRCh38, 1-based): chr2:15,539,225, G>A on the plus strand (C>T on the coding strand, the complement: NBAS is on the minus strand). VCF-style: chr2-15539225-G-A. GRCh37 (hg19) VCF-style: chr2-15679349-G-A.
Other names: short protein forms P171S.
Identifiers: ClinVar variation 1395405 (VCV001395405.6), dbSNP rs749211140, ClinGen allele CA1537043.

ClinVar aggregate classification (germline): Uncertain significance (1 of 4 stars; one submission).

Allele frequency attached by ClinVar (database versions not stated): gnomAD exomes below 0.00001 and 0.00001; ExAC 0.00001.
gnomAD v4.1: 2 of 1,614,070 alleles (0.00012%); highest among the groups gnomAD compares: Admixed American, 0.0033%; no homozygotes.

Submission:

Labcorp Genetics (formerly Invitae), Labcorp
Classification: Uncertain significance. Last evaluated: 2021-11-27. Review status: criteria provided, single submitter. Criteria: Invitae Variant Classification Sherloc (09022015). Collection method: clinical testing. Allele origin: germline.
Comment: In summary, the available evidence is currently insufficient to determine the role of this variant in disease. Therefore, it has been classified as a Variant of Uncertain Significance. Algorithms developed to predict the effect of missense changes on protein structure and function (SIFT, PolyPhen-2, Align-GVGD) all suggest that this variant is likely to be disruptive. This variant has not been reported in the literature in individuals affected with NBAS-related conditions. This variant is present in population databases (rs749211140, gnomAD 0.006%). This sequence change replaces proline, which is neutral and non-polar, with serine, which is neutral and polar, at codon 171 of the NBAS protein (p.Pro171Ser).